The following is an entry in ClinVar:

NM_181882.3(PRX):c.1791G>A (p.Glu597=)

Gene: PRX (periaxin; minus strand). Cytogenetic location: 19q13.2.
Variant type: single nucleotide variant.
Coding change: c.1791G>A on transcript NM_181882.3 (MANE Select); coding-DNA position 1791, G replaced by A.
Protein change: p.Glu597=; no amino-acid change (glutamic acid 597 retained).
Molecular consequence: synonymous variant. On other transcripts: 3 prime UTR variant (1).
Genome position (GRCh38, 1-based): chr19:40,396,561, C>T on the plus strand (G>A on the coding strand, the complement: PRX is on the minus strand). VCF-style: chr19-40396561-C-T. GRCh37 (hg19) VCF-style: chr19-40902468-C-T.
Other names: c.2076G>A, p.Glu692= (NM_001411127.1); c.*1996G>A (NM_020956.2).
Identifiers: ClinVar variation 2684314 (VCV002684314.3), dbSNP rs142723812, ClinGen allele CA507679633.

ClinVar aggregate classification (germline): Conflicting classifications of pathogenicity. Review status: criteria provided, conflicting classifications (1 of 4 stars). 3 submissions from 3 submitters: Uncertain significance (1); Likely benign (2). Last evaluated 2025-02-19.

Conditions:
PRX-related disorder. Also called: PRX-related condition; PRX-Related Disorders.

gnomAD v4.1: 4 of 1,613,886 alleles (0.00025%); highest among the groups gnomAD compares: Non-Finnish European, 0.00025%; no homozygotes.

Submissions (3):

PreventionGenetics, part of Exact Sciences
Classification: Likely benign for PRX-related condition. Last evaluated: 2025-02-19. Review status: criteria provided, single submitter. Criteria: ACMG Guidelines, 2015. Collection method: clinical testing. Allele origin: germline.
Comment: This variant is classified as likely benign based on ACMG/AMP sequence variant interpretation guidelines (Richards et al. 2015 PMID: 25741868, with internal and published modifications).

Athena Diagnostics
Classification: Uncertain significance. Last evaluated: 2023-06-21. Review status: criteria provided, single submitter. Criteria: Athena Diagnostics Criteria. Collection method: clinical testing. Allele origin: unknown.
Comment: Available data are insufficient to determine the clinical significance of the variant at this time. This variant has not been reported in large, multi-ethnic general populations. Computational tools yielded predictions that this variant is unlikely to have an effect on normal RNA splicing.

Blueprint Genetics
Classification: Likely benign. Last evaluated: 2019-01-28. Review status: criteria provided, single submitter. Criteria: ACMG Guidelines, 2015. Collection method: clinical testing. Allele origin: germline.